The following is an entry in ClinVar:

NM_003079.5(SMARCE1):c.104C>T (p.Ala35Val)

Gene: SMARCE1 (SWI/SNF related BAF chromatin remodeling complex subunit E1; minus strand). Cytogenetic location: 17q21.2.
Variant type: single nucleotide variant.
Coding change: c.104C>T on transcript NM_003079.5 (MANE Select); coding-DNA position 104, C replaced by T.
Protein change: p.Ala35Val; replaces alanine 35 with valine.
Molecular consequence: missense variant.
Genome position (GRCh38, 1-based): chr17:40,642,507, G>A on the plus strand (C>T on the coding strand, the complement: SMARCE1 is on the minus strand). VCF-style: chr17-40642507-G-A. GRCh37 (hg19) VCF-style: chr17-38798759-G-A.
Other names: short protein forms A35V.
Identifiers: ClinVar variation 4170334 (VCV004170334.1).
Genomic context (GRCh38, chr17:40,642,507, plus strand): 5'-TCTCCTACCGTGACCCGGCTGTTGGTGCCCGGGTTCCCTCCCAGCCTGTAGTTGTTGTAG[G>A]CGAGATGACTGTATGGATTGTATCCCACAAACCCTGGTGTGCTGGGCATTTGCTGATGGA-3'
Protein context (NP_003070.3, residues 25-45): FVGYNPYSHL[Ala35Val]YNNYRLGGNP

ClinVar aggregate classification (germline): Uncertain significance (1 of 4 stars; one submission).

Conditions:
Hereditary cancer-predisposing syndrome. Also called: Neoplastic Syndromes, Hereditary; Tumor predisposition; Hereditary Cancer Syndrome; Hereditary neoplastic syndrome. Identifiers: Orphanet 140162, MedGen C0027672, MeSH D009386, MONDO:0015356.

Submission:

Ambry Genetics
Classification: Uncertain significance for Hereditary cancer-predisposing syndrome. Last evaluated: 2025-09-01. Review status: criteria provided, single submitter. Criteria: Ambry Variant Classification Scheme 2023. Collection method: clinical testing. Allele origin: germline.
Comment: The p.A35V variant (also known as c.104C>T), located in coding exon 3 of the SMARCE1 gene, results from a C to T substitution at nucleotide position 104. The alanine at codon 35 is replaced by valine, an amino acid with similar properties. This amino acid position is conserved. In addition, the in silico prediction for this alteration is inconclusive. Based on the available evidence, the clinical significance of this variant remains unclear.